The following is an entry in ClinVar:

ClinVar aggregate classification (germline): Conflicting classifications of pathogenicity. Review status: criteria provided, conflicting classifications (1 of 4 stars). 7 submissions from 4 submitters: Uncertain significance (4); Likely benign (3). Last evaluated 2026-05-22.

Conditions:
Familial hypocalciuric hypercalcemia 1. Also called: Hypercalcemia, familial benign type 1. Identifiers: Orphanet 405, Orphanet 93372, MedGen C0342637, MONDO:0007791, OMIM 145980.
Familial hypoparathyroidism. Also called: Familial isolated hypoparathyroidism. Identifiers: Orphanet 2238, MedGen C1832648, MONDO:0016390.
Autosomal dominant hypocalcemia 1 (HYPOC1). Also called: HYPOCALCEMIA, FAMILIAL. Identifiers: MedGen C3715128, MONDO:0011013, OMIM 601198.
Neonatal severe primary hyperparathyroidism. Identifiers: Orphanet 417, MedGen C1832615, MONDO:0009397, OMIM 239200.
CASR-related disorder. Also called: CASR-related condition.
Familial hypocalciuric hypercalcemia (FHH). Also called: Familial benign hypercalcemia. Identifiers: Orphanet 405, MedGen C1809471, MONDO:0018458.
Nephrolithiasis/nephrocalcinosis. Identifiers: MedGen CN580796.

Allele frequency attached by ClinVar (database versions not stated): gnomAD exomes below 0.00001 and 0.00001; ExAC 0.00001; gnomAD 0.00002 and 0.00003; 1000 Genomes Project 0.00020; 1000 Genomes Project 30x 0.00031.
gnomAD v4.1: 5 of 1,614,204 alleles (0.00031%); highest among the groups gnomAD compares: East Asian, 0.0045%; no homozygotes.

Submissions (7):

PreventionGenetics, part of Exact Sciences
Classification: Likely benign for CASR-related condition. Last evaluated: 2026-05-22. Review status: criteria provided, single submitter. Criteria: ACMG Guidelines, 2015. Collection method: clinical testing. Allele origin: germline.
Comment: This variant is classified as likely benign based on ACMG/AMP sequence variant interpretation guidelines (Richards et al. 2015 PMID: 25741868, with internal and published modifications).

Labcorp Genetics (formerly Invitae), Labcorp
Classification: Likely benign for Familial hypocalciuric hypercalcemia; Autosomal dominant hypocalcemia 1. Last evaluated: 2025-07-14. Review status: criteria provided, single submitter. Criteria: Invitae Variant Classification Sherloc (09022015). Collection method: clinical testing. Allele origin: germline.

Ambry Genetics
Classification: Likely benign for Nephrolithiasis/nephrocalcinosis. Last evaluated: 2022-04-19. Review status: criteria provided, single submitter. Criteria: Ambry Variant Classification Scheme 2023. Collection method: clinical testing. Allele origin: germline.

Illumina Laboratory Services, Illumina
Classification: Uncertain significance for Familial hypocalciuric hypercalcemia 1. Last evaluated: 2018-01-12. Review status: criteria provided, single submitter. Criteria: ICSL Variant Classification Criteria 13 December 2019. Collection method: clinical testing. Allele origin: germline.

Illumina Laboratory Services, Illumina
Classification: Uncertain significance for Familial isolated hypoparathyroidism. Last evaluated: 2018-01-12. Review status: criteria provided, single submitter. Criteria: ICSL Variant Classification Criteria 13 December 2019. Collection method: clinical testing. Allele origin: germline.

Illumina Laboratory Services, Illumina
Classification: Uncertain significance for Autosomal dominant hypocalcemia 1. Last evaluated: 2018-01-12. Review status: criteria provided, single submitter. Criteria: ICSL Variant Classification Criteria 13 December 2019. Collection method: clinical testing. Allele origin: germline.

Illumina Laboratory Services, Illumina
Classification: Uncertain significance for Neonatal severe primary hyperparathyroidism. Last evaluated: 2018-01-12. Review status: criteria provided, single submitter. Criteria: ICSL Variant Classification Criteria 13 December 2019. Collection method: clinical testing. Allele origin: germline.

NM_000388.4(CASR):c.930C>T (p.Tyr310=)

Gene: CASR (calcium sensing receptor; plus strand). Cytogenetic location: 3q21.1.
Variant type: single nucleotide variant.
Coding change: c.930C>T on transcript NM_000388.4 (MANE Select); coding-DNA position 930, C replaced by T.
Protein change: p.Tyr310=; no amino-acid change (tyrosine 310 retained).
Molecular consequence: synonymous variant.
Genome position (GRCh38, 1-based): chr3:122,261,965, C>T. VCF-style: chr3-122261965-C-T. GRCh37 (hg19) VCF-style: chr3-121980812-C-T.
Other names: c.930C>T (NM_001178065.1); c.930C>T, p.Tyr310= (NM_001178065.2).
Identifiers: ClinVar variation 342797 (VCV000342797.18), dbSNP rs201737357, ClinGen allele CA2569563.